The following is an entry in ClinVar:

NM_005612.5(REST):c.2729C>T (p.Ala910Val)

Gene: REST (RE1 silencing transcription factor; plus strand). Cytogenetic location: 4q12.
Variant type: single nucleotide variant.
Coding change: c.2729C>T on transcript NM_005612.5 (MANE Select); coding-DNA position 2729, C replaced by T.
Protein change: p.Ala910Val; replaces alanine 910 with valine.
Molecular consequence: missense variant.
Genome position (GRCh38, 1-based): chr4:56,931,587, C>T. VCF-style: chr4-56931587-C-T. GRCh37 (hg19) VCF-style: chr4-57797753-C-T.
Other names: c.2729C>T, p.Ala910Val (NM_001193508.2, NM_001363453.3); short protein forms A910V.
Identifiers: ClinVar variation 759401 (VCV000759401.9), dbSNP rs776254331, ClinGen allele CA2932539.
Genomic context (GRCh38, chr4:56,931,587, plus strand): 5'-AAGAAGCCCCTCTTCAGAAAGTAGGAGCAGAAGAGGCAGATGAGAGCCTACCTGGTCTTG[C>T]TGCTAATATCAACGAATCTACCCATATTTCATCCTCTGGACAAAACTTGAATACGCCAGA-3'
Protein context (NP_005603.3, residues 900-920): EEADESLPGL[Ala910Val]ANINESTHIS

ClinVar aggregate classification (germline): Likely benign. Review status: criteria provided, multiple submitters, no conflicts (2 of 4 stars). 2 submissions from 2 submitters: Likely benign (2). Last evaluated 2025-04-04.

Conditions:
REST-related disorder. Also called: REST-related condition.

Allele frequency attached by ClinVar (database versions not stated): TOPMed 0.00008; gnomAD 0.00011; ExAC 0.00012; gnomAD exomes 0.00014.
gnomAD v4.1: 58 of 1,614,236 alleles (0.0036%); highest among the groups gnomAD compares: Admixed American, 0.095%; no homozygotes.

Submissions (2):

PreventionGenetics, part of Exact Sciences
Classification: Likely benign for REST-related condition. Last evaluated: 2025-04-04. Review status: criteria provided, single submitter. Criteria: ACMG Guidelines, 2015. Collection method: clinical testing. Allele origin: germline.
Comment: This variant is classified as likely benign based on ACMG/AMP sequence variant interpretation guidelines (Richards et al. 2015 PMID: 25741868, with internal and published modifications).

Labcorp Genetics (formerly Invitae), Labcorp
Classification: Likely benign. Last evaluated: 2024-10-24. Review status: criteria provided, single submitter. Criteria: Invitae Variant Classification Sherloc (09022015). Collection method: clinical testing. Allele origin: germline.